The following is an entry in ClinVar:

NM_000388.4(CASR):c.1723G>A (p.Asp575Asn)

Gene: CASR (calcium sensing receptor; plus strand). Cytogenetic location: 3q21.1.
Variant type: single nucleotide variant.
Coding change: c.1723G>A on transcript NM_000388.4 (MANE Select); coding-DNA position 1723, G replaced by A.
Protein change: p.Asp575Asn; replaces aspartic acid 575 with asparagine.
Molecular consequence: missense variant.
Genome position (GRCh38, 1-based): chr3:122,282,227, G>A. VCF-style: chr3-122282227-G-A. GRCh37 (hg19) VCF-style: chr3-122001074-G-A.
Other names: c.1753G>A, p.Asp585Asn (NM_001178065.2); short protein forms D575N, D585N.
Identifiers: ClinVar variation 1018942 (VCV001018942.9), dbSNP rs2074899710, ClinGen allele CA354156360.

ClinVar aggregate classification (germline): Uncertain significance (1 of 4 stars; one submission).

Conditions:
Autosomal dominant hypocalcemia 1 (HYPOC1). Also called: HYPOCALCEMIA, FAMILIAL. Identifiers: MedGen C3715128, MONDO:0011013, OMIM 601198.
Familial hypocalciuric hypercalcemia (FHH). Also called: Familial benign hypercalcemia. Identifiers: Orphanet 405, MedGen C1809471, MONDO:0018458.

Allele frequency attached by ClinVar (database versions not stated): gnomAD exomes below 0.00001.
gnomAD v4.1: 3 of 1,614,124 alleles (0.00019%); highest among the groups gnomAD compares: South Asian, 0.0022%; no homozygotes.

Submission:

Labcorp Genetics (formerly Invitae), Labcorp
Classification: Uncertain significance for Familial hypocalciuric hypercalcemia; Autosomal dominant hypocalcemia 1. Last evaluated: 2021-03-29. Review status: criteria provided, single submitter. Criteria: Invitae Variant Classification Sherloc (09022015). Collection method: clinical testing. Allele origin: germline.
Comment: This variant has not been reported in the literature in individuals with CASR-related conditions. This sequence change replaces aspartic acid with asparagine at codon 575 of the CASR protein (p.Asp575Asn). The aspartic acid residue is moderately conserved and there is a small physicochemical difference between aspartic acid and asparagine. This variant is not present in population databases (ExAC no frequency). Algorithms developed to predict the effect of missense changes on protein structure and function (SIFT, PolyPhen-2, Align-GVGD) all suggest that this variant is likely to be tolerated, but these predictions have not been confirmed by published functional studies and their clinical significance is uncertain. In summary, the available evidence is currently insufficient to determine the role of this variant in disease. Therefore, it has been classified as a Variant of Uncertain Significance.